The following is an entry in ClinVar:

NM_001122630.2(CDKN1C):c.913C>T (p.Arg305Trp)

Gene: CDKN1C (cyclin dependent kinase inhibitor 1C; minus strand). Cytogenetic location: 11p15.4.
Variant type: single nucleotide variant.
Coding change: c.913C>T on transcript NM_001122630.2 (MANE Select); coding-DNA position 913, C replaced by T.
Protein change: p.Arg305Trp; replaces arginine 305 with tryptophan.
Molecular consequence: missense variant. On other transcripts: synonymous variant (1).
Genome position (GRCh38, 1-based): chr11:2,884,009, G>A on the plus strand (C>T on the coding strand, the complement: CDKN1C is on the minus strand). VCF-style: chr11-2884009-G-A. GRCh37 (hg19) VCF-style: chr11-2905239-G-A.
Other names: c.946C>T, p.Arg316Trp (NM_000076.2, NM_001362474.2); c.913C>T, p.Arg305Trp (NM_001122631.2); c.381C>T, p.Cys127= (NM_001362475.2); short protein forms R305W, R316W.
Identifiers: ClinVar variation 1406444 (VCV001406444.8), dbSNP rs2133779874, ClinGen allele CA379144666.

ClinVar aggregate classification (germline): Uncertain significance. Review status: criteria provided, multiple submitters, no conflicts (2 of 4 stars). 3 submissions from 3 submitters: Uncertain significance (3). Last evaluated 2024-06-12.

Conditions:
Beckwith-Wiedemann syndrome (BWS). Also called: EMG SYNDROME; Exomphalos macroglossia gigantism syndrome. Identifiers: Orphanet 116, MedGen C0004903, MONDO:0007534, OMIM 130650.

Allele frequency attached by ClinVar (database versions not stated): gnomAD exomes below 0.00001.

Submissions (3):

Revvity Omics, Revvity
Classification: Uncertain significance. Last evaluated: 2024-06-12. Review status: criteria provided, single submitter. Criteria: ACMG Guidelines, 2015. Collection method: clinical testing. Allele origin: germline.

Baylor Genetics
Classification: Uncertain significance for Beckwith-Wiedemann syndrome. Last evaluated: 2023-10-19. Review status: criteria provided, single submitter. Criteria: ACMG Guidelines, 2015. Collection method: clinical testing. Allele origin: unknown.

Labcorp Genetics (formerly Invitae), Labcorp
Classification: Uncertain significance for Beckwith-Wiedemann syndrome. Last evaluated: 2023-08-07. Review status: criteria provided, single submitter. Criteria: Invitae Variant Classification Sherloc (09022015). Collection method: clinical testing. Allele origin: germline.
Comment: This sequence change replaces arginine, which is basic and polar, with tryptophan, which is neutral and slightly polar, at codon 316 of the CDKN1C protein (p.Arg316Trp). This variant is not present in population databases (gnomAD no frequency). This missense change has been observed in individual(s) with Beckwith-Wiedemann syndrome (PMID: 10424811). This variant is also known as 2739C>T. ClinVar contains an entry for this variant (Variation ID: 1406444). Advanced modeling of protein sequence and biophysical properties (such as structural, functional, and spatial information, amino acid conservation, physicochemical variation, residue mobility, and thermodynamic stability) has been performed at Invitae for this missense variant, however the output from this modeling did not meet the statistical confidence thresholds required to predict the impact of this variant on CDKN1C protein function. Experimental studies have shown that this missense change affects CDKN1C function (PMID: 34299047). In summary, the available evidence is currently insufficient to determine the role of this variant in disease. Therefore, it has been classified as a Variant of Uncertain Significance.

Literature cited by the submitters: PubMed 10424811 (cited by Labcorp Genetics (formerly Invitae), Labcorp); PubMed 34299047 (cited by Labcorp Genetics (formerly Invitae), Labcorp).